The following is an entry in ClinVar:

NM_005045.4(RELN):c.7092C>T (p.Tyr2364=)

Gene: RELN (reelin; minus strand). Cytogenetic location: 7q22.1.
Variant type: single nucleotide variant.
Coding change: c.7092C>T on transcript NM_005045.4 (MANE Select); coding-DNA position 7092, C replaced by T.
Protein change: p.Tyr2364=; no amino-acid change (tyrosine 2364 retained).
Molecular consequence: synonymous variant.
Genome position (GRCh38, 1-based): chr7:103,539,166, G>A on the plus strand (C>T on the coding strand, the complement: RELN is on the minus strand). VCF-style: chr7-103539166-G-A. GRCh37 (hg19) VCF-style: chr7-103179613-G-A.
Other names: c.7092C>T, p.Tyr2364= (NM_173054.3).
Identifiers: ClinVar variation 1529610 (VCV001529610.13), dbSNP rs1161199450, ClinGen allele CA457198095.
Genomic context (GRCh38, chr7:103,539,166, plus strand): 5'-GGCAGCGAAGTCTATCTGTAGGAAGGAATCCTCATTCACGGCAACGTCTGTGCTGACCAC[G>A]TAACGGGTGCTGGCCTTTTCAATGAAGACCAGGGCATCACCAGTAGAGCCACACACGGGC-3'
Protein context (NP_005036.2, residues 2354-2374): LVFIEKASTR[Tyr2364=]VVSTDVAVNE

ClinVar aggregate classification (germline): Likely benign. Review status: criteria provided, multiple submitters, no conflicts (2 of 4 stars). 2 submissions from 2 submitters: Likely benign (2). Last evaluated 2025-12-01.

Conditions:
Familial temporal lobe epilepsy 7. Identifiers: Orphanet 101046, MedGen C4225327, MONDO:0014639, OMIM 616436.
Norman-Roberts syndrome (LIS2). Also called: Lissencephaly 2 (Norman-Roberts type). Identifiers: Orphanet 89844, MedGen C0796089, MONDO:0009760, OMIM 257320.

gnomAD v4.1: 5 of 1,614,236 alleles (0.00031%); highest among the groups gnomAD compares: East Asian, 0.0045%; no homozygotes.

Submissions (2):

CeGaT Center for Human Genetics Tuebingen
Classification: Likely benign. Last evaluated: 2025-12-01. Review status: criteria provided, single submitter. Criteria: CeGaT Center For Human Genetics Tuebingen Variant Classification Criteria Version 2. Collection method: clinical testing. Allele origin: germline. Affected: yes. Observed: 1 variant allele.
Comment: RELN: BP4, BP7

Labcorp Genetics (formerly Invitae), Labcorp
Classification: Likely benign for Familial temporal lobe epilepsy 7; Norman-Roberts syndrome. Last evaluated: 2022-09-01. Review status: criteria provided, single submitter. Criteria: Invitae Variant Classification Sherloc (09022015). Collection method: clinical testing. Allele origin: germline.